The following is an entry in ClinVar:

ClinVar aggregate classification (germline): Likely benign (1 of 4 stars; one submission).

gnomAD v4.1: 103 of 1,551,114 alleles (0.0066%); highest among the groups gnomAD compares: East Asian, 0.019%; no homozygotes.

Submission:

CeGaT Center for Human Genetics Tuebingen
Classification: Likely benign. Last evaluated: 2024-10-01. Review status: criteria provided, single submitter. Criteria: CeGaT Center For Human Genetics Tuebingen Variant Classification Criteria Version 2. Collection method: clinical testing. Allele origin: germline. Affected: yes. Observed: 1 variant allele.
Comment: INTS1: BP4, BP7

NM_001080453.3(INTS1):c.6078C>T (p.Ser2026=)

Gene: INTS1 (integrator complex subunit 1; minus strand). Cytogenetic location: 7p22.3.
Variant type: single nucleotide variant.
Coding change: c.6078C>T on transcript NM_001080453.3 (MANE Select); coding-DNA position 6078, C replaced by T.
Protein change: p.Ser2026=; no amino-acid change (serine 2026 retained).
Molecular consequence: synonymous variant.
Genome position (GRCh38, 1-based): chr7:1,472,379, G>A on the plus strand (C>T on the coding strand, the complement: INTS1 is on the minus strand). VCF-style: chr7-1472379-G-A. GRCh37 (hg19) VCF-style: chr7-1512015-G-A.
Identifiers: ClinVar variation 3389198 (VCV003389198.14).